The following is an entry in ClinVar:

NM_000368.5(TSC1):c.1364C>T (p.Thr455Ile)

Gene: TSC1 (TSC complex subunit 1; minus strand). Cytogenetic location: 9q34.13.
Variant type: single nucleotide variant.
Coding change: c.1364C>T on transcript NM_000368.5 (MANE Select); coding-DNA position 1364, C replaced by T.
Protein change: p.Thr455Ile; replaces threonine 455 with isoleucine.
Molecular consequence: missense variant. On other transcripts: non-coding transcript variant (5).
Genome position (GRCh38, 1-based): chr9:132,906,805, G>A on the plus strand (C>T on the coding strand, the complement: TSC1 is on the minus strand). VCF-style: chr9-132906805-G-A. GRCh37 (hg19) VCF-style: chr9-135782192-G-A.
Other names: c.1361C>T, p.Thr454Ile (NM_001406608.1, NM_001406609.1, NM_001162426.2 and 6 more transcripts); c.1211C>T, p.Thr404Ile (NM_001406610.1, NM_001162427.2); c.1208C>T, p.Thr403Ile (NM_001406611.1, NM_001406612.1, NM_001406613.1); c.1001C>T, p.Thr334Ile (NM_001406614.1, NM_001406615.1, NM_001406616.1 and 5 more transcripts); c.1364C>T, p.Thr455Ile (NM_001406592.1, NM_001406593.1, NM_001406594.1 and 7 more transcripts); c.410C>T, p.Thr137Ile (NM_001406627.1, NM_001406628.1); c.311C>T, p.Thr104Ile (NM_001406629.1, NM_001406630.1); c.998C>T, p.Thr333Ile (NM_001406620.1, NM_001406621.1, NM_001406622.1 and 2 more transcripts); and 1 more; short protein forms T404I, T454I, T138I, T334I, T104I, T137I, T333I, T403I.
Identifiers: ClinVar variation 3462413 (VCV003462413.2).
Genomic context (GRCh38, chr9:132,906,805, plus strand): 5'-TTTTCAATACTATCTTCTTCAGAGGCCAGATCACCTAAAAACCCTGGAAGATCACTTAGA[G>A]TGACAGAACCTTTGCTGCCAGGTGGCTCTTCTGAAGAGAAACAAAGACAACTGAAGTCAA-3'
Protein context (NP_000359.1, residues 445-465): EEPPGSKGSV[Thr455Ile]LSDLPGFLGD

ClinVar aggregate classification (germline): Conflicting classifications of pathogenicity. Review status: criteria provided, conflicting classifications (1 of 4 stars). 3 submissions from 3 submitters: Uncertain significance (2); Likely benign (1). Last evaluated 2025-11-10.

Conditions:
Hereditary cancer-predisposing syndrome. Also called: Hereditary Cancer Syndrome; Hereditary neoplastic syndrome; Neoplastic Syndromes, Hereditary; Tumor predisposition. Identifiers: Orphanet 140162, MedGen C0027672, MeSH D009386, MONDO:0015356.
Tuberous sclerosis 1 (TSC1). Identifiers: Orphanet 805, MedGen C1854465, MONDO:0008612, OMIM 191100.
Tuberous sclerosis syndrome (TSC). Also called: Tuberous Sclerosis Complex; Tuberous sclerosis. Identifiers: Orphanet 805, MedGen C0041341, MONDO:0001734.

gnomAD v4.1: 1 of 1,614,140 alleles (0.000062%); highest among the groups gnomAD compares: Non-Finnish European, 0.000085%; no homozygotes.

Submissions (3):

Labcorp Genetics (formerly Invitae), Labcorp
Classification: Likely benign for Tuberous sclerosis 1. Last evaluated: 2025-11-10. Review status: criteria provided, single submitter. Criteria: Invitae Variant Classification Sherloc (09022015). Collection method: clinical testing. Allele origin: germline.

Ambry Genetics
Classification: Uncertain significance for Hereditary cancer-predisposing syndrome. Last evaluated: 2024-07-31. Review status: criteria provided, single submitter. Criteria: Ambry Variant Classification Scheme 2023. Collection method: clinical testing. Allele origin: germline.
Comment: The p.T455I variant (also known as c.1364C>T), located in coding exon 12 of the TSC1 gene, results from a C to T substitution at nucleotide position 1364. The threonine at codon 455 is replaced by isoleucine, an amino acid with similar properties. This amino acid position is well conserved in available vertebrate species. In addition, this alteration is predicted to be tolerated by in silico analysis. Based on the available evidence, the clinical significance of this variant remains unclear.

Color Diagnostics, LLC DBA Color Health
Classification: Uncertain significance for Tuberous sclerosis syndrome. Last evaluated: 2023-08-31. Review status: criteria provided, single submitter. Criteria: ACMG Guidelines, 2015. Collection method: clinical testing. Allele origin: germline.
Comment: This missense variant replaces threonine with isoleucine at codon 455 of the TSC1 protein. Computational prediction suggests that this variant may not impact protein structure and function. To our knowledge, functional studies have not been reported for this variant. This variant has not been reported in individuals affected with TSC1-related disorders in the literature. This variant has been identified in 1/31402 chromosomes in the general population by the Genome Aggregation Database (gnomAD). The available evidence is insufficient to determine the role of this variant in disease conclusively. Therefore, this variant is classified as a Variant of Uncertain Significance.